The following is an entry in ClinVar:

NM_021614.4(KCNN2):c.2319G>A (p.Ser773=)

Genes: KCNN2 (potassium calcium-activated channel subfamily N member 2; plus strand), KCNN2-AS1 (KCNN2 antisense RNA 1; minus strand). Cytogenetic location: 5q22.3.
Variant type: single nucleotide variant.
Coding change: c.2319G>A on transcript NM_021614.4 (MANE Select); coding-DNA position 2319, G replaced by A.
Protein change: p.Ser773=; no amino-acid change (serine 773 retained).
Molecular consequence: synonymous variant. On other transcripts: non-coding transcript variant (3).
Genome position (GRCh38, 1-based): chr5:114,496,125, G>A. VCF-style: chr5-114496125-G-A. GRCh37 (hg19) VCF-style: chr5-113831822-G-A.
Other names: c.2517G>A, p.Ser839= (NM_001372233.1); c.639G>A, p.Ser213= (NM_170775.3).
Identifiers: ClinVar variation 4979985 (VCV004979985.2).

ClinVar aggregate classification (germline): Likely benign. Review status: criteria provided, multiple submitters, no conflicts (2 of 4 stars). 2 submissions from 2 submitters: Likely benign (2). Last evaluated 2026-07-01.

Conditions:
KCNN2-related disorder. Also called: KCNN2-related condition; KCNN2-Related Disorders.

gnomAD v4.1: 66 of 1,613,952 alleles (0.0041%); highest among the groups gnomAD compares: Admixed American, 0.057%; no homozygotes.

Submissions (2):

CeGaT Center for Human Genetics Tuebingen
Classification: Likely benign. Last evaluated: 2026-07-01. Review status: criteria provided, single submitter. Criteria: CeGaT Center For Human Genetics Tuebingen Variant Classification Criteria Version 2. Collection method: clinical testing. Allele origin: germline. Affected: yes. Observed: 1 variant allele.
Comment: KCNN2: BP4, BP7

PreventionGenetics, part of Exact Sciences
Classification: Likely benign for KCNN2-related condition. Last evaluated: 2026-06-13. Review status: criteria provided, single submitter. Criteria: ACMG Guidelines, 2015. Collection method: clinical testing. Allele origin: germline.
Comment: This variant is classified as likely benign based on ACMG/AMP sequence variant interpretation guidelines (Richards et al. 2015 PMID: 25741868, with internal and published modifications).